The following is an entry in ClinVar:

NM_004715.5(CTDP1):c.2581-5G>T

Gene: CTDP1 (CTD phosphatase 1; plus strand). Cytogenetic location: 18q23.
Variant type: single nucleotide variant.
Coding change: c.2581-5G>T on transcript NM_004715.5 (MANE Select); 5 bases into the intron before coding-DNA position 2581, G replaced by T.
Molecular consequence: intron variant.
Genome position (GRCh38, 1-based): chr18:79,736,350, G>T. VCF-style: chr18-79736350-G-T. GRCh37 (hg19) VCF-style: chr18-77496350-G-T.
Other names: p.?; c.2580+7281G>T (NM_001318511.2); c.2418-5G>T (NM_048368.4); c.2224-5G>T (NM_001202504.1).
Identifiers: ClinVar variation 501121 (VCV000501121.15), dbSNP rs199505565, ClinGen allele CA9010663.

ClinVar aggregate classification (germline): Benign/Likely benign. Review status: criteria provided, multiple submitters, no conflicts (2 of 4 stars). 4 submissions from 4 submitters: Benign (1); Likely benign (3). Last evaluated 2026-02-01.

Allele frequency attached by ClinVar (database versions not stated): ExAC 0.00083; 1000 Genomes Project 0.00140; 1000 Genomes Project 30x 0.00156; ESP Exome Variant Server 0.00220; gnomAD 0.00230 and 0.00239; TOPMed 0.00237.
gnomAD v4.1: 608 of 1,549,162 alleles (0.039%); highest among the groups gnomAD compares: African/African-American, 0.71%; 2 homozygotes.

Submissions (4):

Labcorp Genetics (formerly Invitae), Labcorp
Classification: Benign. Last evaluated: 2026-02-01. Review status: criteria provided, single submitter. Criteria: Invitae Variant Classification Sherloc (09022015). Collection method: clinical testing. Allele origin: germline.

Mayo Clinic Laboratories, Mayo Clinic
Classification: Likely benign. Last evaluated: 2025-03-25. Review status: criteria provided, single submitter. Criteria: ACMG Guidelines, 2015. Collection method: clinical testing. Allele origin: germline. Observed: 2 variant alleles.
Comment: BP4, BP7

Blueprint Genetics
Classification: Likely benign. Last evaluated: 2024-11-26. Review status: criteria provided, single submitter. Criteria: ACMG Guidelines, 2015. Collection method: clinical testing. Allele origin: germline.

Eurofins Ntd Llc (ga)
Classification: Likely benign. Last evaluated: 2017-04-17. Review status: criteria provided, single submitter. Criteria: EGL Classification Definitions 2015. Collection method: clinical testing. Allele origin: germline. Observed: 1 variant allele, 1 heterozygote.